The following is an entry in ClinVar:

ClinVar aggregate classification (germline): Uncertain significance (1 of 4 stars; one submission).

Conditions:
Familial thoracic aortic aneurysm and aortic dissection (TAAD). Also called: Thoracic aortic aneurysms and dissections. Identifiers: Orphanet 91387, MedGen C4707243, MONDO:0019625.

Submission:

Color Diagnostics, LLC DBA Color Health
Classification: Uncertain significance for Familial thoracic aortic aneurysm and aortic dissection. Last evaluated: 2018-10-08. Review status: criteria provided, single submitter. Criteria: ACMG Guidelines, 2015. Collection method: clinical testing. Allele origin: germline.
Comment: Variant of Uncertain Significance due to insufficient evidence: This variant changes a single nucleotide in exon 2 (first coding exon) of the MYH11 gene, causing a premature translational stop signal. This variant is expected to result in an absent or non-functional protein product. To our knowledge, functional assays have not been performed for this variant nor has this variant been reported in individuals affected with cardiovascular disorders in the literature. This variant is rare in the general population and has been identified in 0/277264 chromosomes by the Genome Aggregation Database (gnomAD). Disease-causing variants in MYH11 are mostly missense variants that act in a dominant-negative manner. The role of MYH11 truncation variants in cardiovascular disorders is not clearly established. Based on available evidence, this variant is classified as Variant of Uncertain Significance.

NM_002474.3(MYH11):c.229C>T (p.Gln77Ter)

Gene: MYH11 (myosin heavy chain 11; minus strand). Cytogenetic location: 16p13.11.
Variant type: single nucleotide variant.
Coding change: c.229C>T on transcript NM_002474.3 (MANE Select); coding-DNA position 229, C replaced by T.
Protein change: p.Gln77Ter; replaces glutamine 77 with a stop codon.
Molecular consequence: nonsense.
Genome position (GRCh38, 1-based): chr16:15,838,024, G>A on the plus strand (C>T on the coding strand, the complement: MYH11 is on the minus strand). VCF-style: chr16-15838024-G-A. GRCh37 (hg19) VCF-style: chr16-15931881-G-A.
Other names: c.229C>T, p.Gln77Ter (NM_001040113.2, NM_001040114.2, NM_022844.3); short protein forms Q77*.
Identifiers: ClinVar variation 629483 (VCV000629483.2), dbSNP rs1567211625, ClinGen allele CA395198393.